The following is an entry in ClinVar:

NM_182961.4(SYNE1):c.22546A>G (p.Ile7516Val)

Gene: SYNE1 (spectrin repeat containing nuclear envelope protein 1; minus strand). Cytogenetic location: 6q25.2.
Variant type: single nucleotide variant.
Coding change: c.22546A>G on transcript NM_182961.4 (MANE Select); coding-DNA position 22546, A replaced by G.
Protein change: p.Ile7516Val; replaces isoleucine 7516 with valine.
Molecular consequence: missense variant.
Genome position (GRCh38, 1-based): chr6:152,211,537, T>C on the plus strand (A>G on the coding strand, the complement: SYNE1 is on the minus strand). VCF-style: chr6-152211537-T-C. GRCh37 (hg19) VCF-style: chr6-152532672-T-C.
Other names: c.22333A>G, p.Ile7445Val (NM_033071.5); short protein forms I7445V, I7516V.
Identifiers: ClinVar variation 841236 (VCV000841236.10), dbSNP rs963496863, ClinGen allele CA150175533.

ClinVar aggregate classification (germline): Uncertain significance. Review status: criteria provided, multiple submitters, no conflicts (2 of 4 stars). 3 submissions from 2 submitters: Uncertain significance (3). Last evaluated 2022-10-04.

Conditions:
Emery-Dreifuss muscular dystrophy 4, autosomal dominant (EDMD4). Also called: EMERY-DREIFUSS MUSCULAR DYSTROPHY 4 WITH VARIABLE FEATURES. Identifiers: Orphanet 261, MedGen C2751807, MONDO:0013071, OMIM 612998.
Autosomal recessive ataxia, Beauce type. Also called: Spinocerebellar ataxia, autosomal recessive 8; ATAXIA, RECESSIVE, OF BEAUCE; SYNE1-Related Autosomal Recessive Cerebellar Ataxia; SYNE1 Deficiency. Identifiers: Orphanet 88644, MedGen C1853116, MONDO:0012549, OMIM 610743.

Allele frequency attached by ClinVar (database versions not stated): gnomAD exomes below 0.00001.
gnomAD v4.1: 2 of 1,613,926 alleles (0.00012%); highest among the groups gnomAD compares: Admixed American, 0.0017%; no homozygotes.

Submissions (3):

Labcorp Genetics (formerly Invitae), Labcorp
Classification: Uncertain significance for Emery-Dreifuss muscular dystrophy 4, autosomal dominant; Autosomal recessive ataxia, Beauce type. Last evaluated: 2022-10-04. Review status: criteria provided, single submitter. Criteria: Invitae Variant Classification Sherloc (09022015). Collection method: clinical testing. Allele origin: germline.
Comment: This sequence change replaces isoleucine, which is neutral and non-polar, with valine, which is neutral and non-polar, at codon 7445 of the SYNE1 protein (p.Ile7445Val). This variant is not present in population databases (gnomAD no frequency). This variant has not been reported in the literature in individuals affected with SYNE1-related conditions. ClinVar contains an entry for this variant (Variation ID: 841236). Algorithms developed to predict the effect of missense changes on protein structure and function output the following: SIFT: "Tolerated"; PolyPhen-2: "Benign"; Align-GVGD: "Class C0". The valine amino acid residue is found in multiple mammalian species, which suggests that this missense change does not adversely affect protein function. In summary, the available evidence is currently insufficient to determine the role of this variant in disease. Therefore, it has been classified as a Variant of Uncertain Significance.

Illumina Laboratory Services, Illumina
Classification: Uncertain significance for Emery-Dreifuss muscular dystrophy 4, autosomal dominant. Last evaluated: 2018-01-12. Review status: criteria provided, single submitter. Criteria: ICSL Variant Classification Criteria 13 December 2019. Collection method: clinical testing. Allele origin: germline.

Illumina Laboratory Services, Illumina
Classification: Uncertain significance for Autosomal recessive ataxia, Beauce type. Last evaluated: 2018-01-12. Review status: criteria provided, single submitter. Criteria: ICSL Variant Classification Criteria 13 December 2019. Collection method: clinical testing. Allele origin: germline.